The following is an entry in ClinVar:

ClinVar aggregate classification (germline): Uncertain significance. Review status: criteria provided, multiple submitters, no conflicts (2 of 4 stars). 2 submissions from 2 submitters: Uncertain significance (2). Last evaluated 2024-08-27.

Conditions:
Autosomal recessive limb-girdle muscular dystrophy type 2P. Also called: MUSCULAR DYSTROPHY-DYSTROGLYCANOPATHY, LIMB-GIRDLE, DAG1-RELATED; Limb-Girdle Muscular Dystrophy Type 9C; MUSCULAR DYSTROPHY, LIMB-GIRDLE, TYPE 2P. Identifiers: Orphanet 280333, MedGen C4511963, MONDO:0013440, OMIM 613818.
Muscular dystrophy-dystroglycanopathy (congenital with brain and eye anomalies), type A9. Also called: WALKER-WARBURG SYNDROME OR MUSCLE-EYE BRAIN DISEASE, DAG1-RELATED; Muscular dystrophy-dystroglycanopathy (congenital with brain and eye anomalies), type a, 9. Identifiers: Orphanet 370997, Orphanet 899, MedGen C4225291, MONDO:0014683, OMIM 616538.
Inborn genetic diseases. Identifiers: MedGen C0950123, MeSH D030342.

Submissions (2):

Ambry Genetics
Classification: Uncertain significance for Inborn genetic diseases. Last evaluated: 2024-08-27. Review status: criteria provided, single submitter. Criteria: Ambry Variant Classification Scheme 2023. Collection method: clinical testing. Allele origin: germline.

Labcorp Genetics (formerly Invitae), Labcorp
Classification: Uncertain significance for Autosomal recessive limb-girdle muscular dystrophy type 2P; Muscular dystrophy-dystroglycanopathy (congenital with brain and eye anomalies), type A9. Last evaluated: 2022-06-27. Review status: criteria provided, single submitter. Criteria: Invitae Variant Classification Sherloc (09022015). Collection method: clinical testing. Allele origin: germline.
Comment: This variant has not been reported in the literature in individuals affected with DAG1-related conditions. This variant is not present in population databases (gnomAD no frequency). This sequence change replaces glycine, which is neutral and non-polar, with valine, which is neutral and non-polar, at codon 768 of the DAG1 protein (p.Gly768Val). ClinVar contains an entry for this variant (Variation ID: 539127). In summary, the available evidence is currently insufficient to determine the role of this variant in disease. Therefore, it has been classified as a Variant of Uncertain Significance. Algorithms developed to predict the effect of missense changes on protein structure and function are either unavailable or do not agree on the potential impact of this missense change (SIFT: "Deleterious"; PolyPhen-2: "Probably Damaging"; Align-GVGD: "Class C0").

NM_004393.6(DAG1):c.2303G>T (p.Gly768Val)

Gene: DAG1 (dystroglycan 1; plus strand). Cytogenetic location: 3p21.31.
Variant type: single nucleotide variant.
Coding change: c.2303G>T on transcript NM_004393.6 (MANE Select); coding-DNA position 2303, G replaced by T.
Protein change: p.Gly768Val; replaces glycine 768 with valine.
Molecular consequence: missense variant.
Genome position (GRCh38, 1-based): chr3:49,532,814, G>T. VCF-style: chr3-49532814-G-T. GRCh37 (hg19) VCF-style: chr3-49570247-G-T.
Other names: c.2303G>T, p.Gly768Val (NM_001177637.3, NM_001177638.3, NM_001177639.3 and 9 more transcripts); c.2303G>T (NM_004393.4); short protein forms G768V.
Identifiers: ClinVar variation 539127 (VCV000539127.8), dbSNP rs1553653701, ClinGen allele CA352797399.